The following is an entry in ClinVar:

ClinVar aggregate classification (germline): Uncertain significance (1 of 4 stars; one submission).

Conditions:
Muscular dystrophy-dystroglycanopathy (congenital with brain and eye anomalies), type A, 7. Also called: WALKER-WARBURG SYNDROME OR MUSCLE-EYE-BRAIN DISEASE, ISPD-RELATED; Congenital muscular dystrophy-dystroglycanopathy with brain and eye anomalies, type A7. Identifiers: Orphanet 899, MedGen C3553330, MONDO:0013835, OMIM 614643.
Autosomal recessive limb-girdle muscular dystrophy type 2U. Also called: Muscular dystrophy-dystroglycanopathy (limb-girdle), type c, 7; MUSCULAR DYSTROPHY, LIMB-GIRDLE, TYPE 2U. Identifiers: Orphanet 352479, MedGen C5190987, MONDO:0014474, OMIM 616052.

Allele frequency attached by ClinVar (database versions not stated): gnomAD exomes below 0.00001.
gnomAD v4.1: 3 of 1,449,140 alleles (0.00021%); highest among the groups gnomAD compares: East Asian, 0.0025%; no homozygotes.

Submission:

Labcorp Genetics (formerly Invitae), Labcorp
Classification: Uncertain significance for Muscular dystrophy-dystroglycanopathy (congenital with brain and eye anomalies), type A, 7; Autosomal recessive limb-girdle muscular dystrophy type 2U. Last evaluated: 2024-10-15. Review status: criteria provided, single submitter. Criteria: Invitae Variant Classification Sherloc (09022015). Collection method: clinical testing. Allele origin: germline.
Comment: This sequence change falls in intron 9 of the ISPD gene. It does not directly change the encoded amino acid sequence of the ISPD protein. It affects a nucleotide within the consensus splice site. This variant is not present in population databases (gnomAD no frequency). This variant has not been reported in the literature in individuals affected with ISPD-related conditions. ClinVar contains an entry for this variant (Variation ID: 1680739). Variants that disrupt the consensus splice site are a relatively common cause of aberrant splicing (PMID: 17576681, 9536098). Algorithms developed to predict the effect of sequence changes on RNA splicing suggest that this variant is not likely to affect RNA splicing. In summary, the available evidence is currently insufficient to determine the role of this variant in disease. Therefore, it has been classified as a Variant of Uncertain Significance.

Literature cited by the submitters: PubMed 17576681; PubMed 9536098.

NM_001101426.4(CRPPA):c.1252-3C>T

Genes: CRPPA (CDP-L-ribitol pyrophosphorylase A; minus strand), LOC129389757 (MPRA-validated peak6410 silencer; plus strand). Cytogenetic location: 7p21.2.
Variant type: single nucleotide variant.
Coding change: c.1252-3C>T on transcript NM_001101426.4 (MANE Select); 3 bases into the intron before coding-DNA position 1252, C replaced by T.
Molecular consequence: intron variant.
Genome position (GRCh38, 1-based): chr7:16,091,802, G>A on the plus strand (C>T on the coding strand, the complement: CRPPA is on the minus strand). VCF-style: chr7-16091802-G-A. GRCh37 (hg19) VCF-style: chr7-16131427-G-A.
Other names: c.1102-3C>T (NM_001101417.4); c.1147-3C>T (NM_001368197.1).
Identifiers: ClinVar variation 1680739 (VCV001680739.6), dbSNP rs2128361106, ClinGen allele CA2573141317.
Genomic context (GRCh38, chr7:16,091,802, plus strand): 5'-TTAATGAAGCAATAATGATAGCACCTTGCCTTAAACTCTCCTGTAGCTTCTGATCATCCT[G>A]AAAAGAAAGGATAAACCAGTAATATTTTAGAAAAAACATATGCCATGTGTTAAGTTTGAT-3'